The following is an entry in ClinVar:

ClinVar aggregate classification (germline): Likely pathogenic (1 of 4 stars; one submission).

Submission:

CeGaT Center for Human Genetics Tuebingen
Classification: Likely pathogenic. Last evaluated: 2023-03-01. Review status: criteria provided, single submitter. Criteria: CeGaT Center For Human Genetics Tuebingen Variant Classification Criteria Version 2. Collection method: clinical testing. Allele origin: germline. Affected: yes. Observed: 1 variant allele.
Comment: POU3F3: PM1, PM2, PS2:Moderate, PP3

NM_006236.3(POU3F3):c.1252A>G (p.Lys418Glu)

Gene: POU3F3 (POU class 3 homeobox 3; plus strand). Cytogenetic location: 2q12.1.
Variant type: single nucleotide variant.
Coding change: c.1252A>G on transcript NM_006236.3 (MANE Select); coding-DNA position 1252, A replaced by G.
Protein change: p.Lys418Glu; replaces lysine 418 with glutamic acid.
Molecular consequence: missense variant.
Genome position (GRCh38, 1-based): chr2:104,856,762, A>G. VCF-style: chr2-104856762-A-G. GRCh37 (hg19) VCF-style: chr2-105473220-A-G.
Other names: short protein forms K418E.
Identifiers: ClinVar variation 2498829 (VCV002498829.28), dbSNP rs2466876835, ClinGen allele CA348098547.
Genomic context (GRCh38, chr2:104,856,762, plus strand): 5'-GACAAGATCGCGGCGCAGGGCCGCAAGCGCAAGAAGCGGACCTCTATCGAGGTGAGCGTC[A>G]AGGGCGCGCTGGAGAGCCACTTCCTCAAGTGCCCCAAGCCCTCCGCGCAGGAGATCACCA-3'
Protein context (NP_006227.1, residues 408-428): KKRTSIEVSV[Lys418Glu]GALESHFLKC